The following is an entry in ClinVar:

NM_007294.4(BRCA1):c.5153-12T>G

Gene: BRCA1 (BRCA1 DNA repair associated; minus strand). Cytogenetic location: 17q21.31.
Variant type: single nucleotide variant.
Coding change: c.5153-12T>G on transcript NM_007294.4 (MANE Select); 12 bases into the intron before coding-DNA position 5153, T replaced by G.
Molecular consequence: intron variant.
Genome position (GRCh38, 1-based): chr17:43,063,385, A>C on the plus strand (T>G on the coding strand, the complement: BRCA1 is on the minus strand). VCF-style: chr17-43063385-A-C. GRCh37 (hg19) VCF-style: chr17-41215402-A-C.
Other names: c.1700-12T>G (NM_001408458.1, NM_001408461.1, NM_001408464.1 and 7 more transcripts); c.4262-12T>G (NM_001407967.1); c.4772-12T>G (NM_001407959.1); c.4886-12T>G (NM_001407931.1, NM_001407932.1, NM_001407928.1 and 4 more transcripts); c.5009-12T>G (NM_001407747.1, NM_001407745.1, NM_001407737.1 and 21 more transcripts); c.4769-12T>G (NM_001407962.1, NM_001407960.1); c.1340-12T>G (NM_001408512.1); c.1463-12T>G (NM_001408510.1); and 72 more.
Identifiers: ClinVar variation 868752 (VCV000868752.3), dbSNP rs1567768851, ClinGen allele CA916080065.
Genomic context (GRCh38, chr17:43,063,385, plus strand): 5'-GTACTTACCTCATTCAGCATTTTTCTTTCTTTAATAGACTGGGTCACCCCTAAAGAGATC[A>C]TAGAAAAGACAGGTTACATACAGCAGAAGAACGTGCTCTTTTCACGGAGATAGAGAGGTC-3'

Conditions:
Breast-ovarian cancer, familial, susceptibility to, 1 (BROVCA1). Also called: BRCA1 Hereditary Breast and Ovarian Cancer; OVARIAN CANCER, SUSCEPTIBILITY TO. Identifiers: Orphanet 145, MedGen C2676676, MONDO:0011450, OMIM 604370. Disease mechanism: loss of function.

Submission:

Brotman Baty Institute, University of Washington
No classification provided (evidence only). Condition: Breast-ovarian cancer, familial 1. Review status: no classification provided. Collection method: in vitro. Allele origin: not applicable. Functional consequence: function_uncertain_variant.
ClinVar note: "not provided" was previously submitted as the classification for the variant. However, the classification appeared to be based only on an observation of functional data so it was converted to no classification on 2025-07-30.